The following is an entry in ClinVar:

NM_000038.6(APC):c.422+2447G>A

Gene: APC (APC regulator of WNT signaling pathway; plus strand). Cytogenetic location: 5q22.2.
Variant type: single nucleotide variant.
Coding change: c.422+2447G>A on transcript NM_000038.6 (MANE Select); 2447 bases into the intron after coding-DNA position 422, G replaced by A.
Molecular consequence: intron variant.
Genome position (GRCh38, 1-based): chr5:112,769,837, G>A. VCF-style: chr5-112769837-G-A. GRCh37 (hg19) VCF-style: chr5-112105534-G-A.
Other names: c.422+2447G>A (NM_001354895.2, NM_001127510.3, NM_001354896.2 and 2 more transcripts); c.452+2447G>A (NM_001354897.2, NM_001354902.2, NM_001127511.3); c.347+2447G>A (NM_001354898.2, NM_001354904.2); c.-614+2447G>A (NM_001354906.2); c.245+2447G>A (NM_001354900.2, NM_001354901.2, NM_001354905.2).
Identifiers: ClinVar variation 82885 (VCV000082885.2), dbSNP rs75372333, ClinGen allele CA009069.

ClinVar aggregate classification (germline): other (0 of 4 stars; one submission).

Conditions:
Familial colorectal cancer. Identifiers: MedGen CN280943, MONDO:0023113. Disease mechanism: loss of function.

Allele frequency attached by ClinVar (database versions not stated): gnomAD 0.00013 and 0.00030; TOPMed 0.00027; 1000 Genomes Project 30x 0.00187; 1000 Genomes Project 0.00220.

Submission:

Systems Biology Platform Zhejiang California International NanoSystems Institute
Classification: other for Familial colorectal cancer. Review status: no assertion criteria provided. Collection method: not provided. Allele origin: unknown.
ClinVar note: Converted during submission from cancer to other.